The following is an entry in ClinVar:

NM_000551.4(VHL):c.340+744G>A

Genes: VHL (von Hippel-Lindau tumor suppressor; plus strand), LOC107303340 (3p25 von Hippel-Lindau tumor suppressor, E3 ubiquitin protein ligase Alu-mediated recombination region; plus strand). Cytogenetic location: 3p25.3.
Variant type: single nucleotide variant.
Coding change: c.340+744G>A on transcript NM_000551.4 (MANE Select); 744 bases into the intron after coding-DNA position 340, G replaced by A.
Molecular consequence: intron variant. On other transcripts: missense variant (1), non-coding transcript variant (1).
Genome position (GRCh38, 1-based): chr3:10,142,931, G>A. VCF-style: chr3-10142931-G-A. GRCh37 (hg19) VCF-style: chr3-10184615-G-A.
Other names: c.340+744G>A (NM_198156.3); c.509G>A, p.Arg170Lys (NM_001354723.2); short protein forms R170K.
Identifiers: ClinVar variation 2933156 (VCV002933156.3), dbSNP rs2470160193, ClinGen allele CA2740090923.
Genomic context (GRCh38, chr3:10,142,931, plus strand): 5'-TTGGCGCCGGAAGAGCCGACCGTGTGTGGCGTGGGAAATTGACTTACCTGCCTGCTGGGA[G>A]ATGGAGGGGTTGCGGTTGTGTGGTTTCAGTTAAGGAGCACTTCCCGGAGAAGGAAGAGAG-3'

ClinVar aggregate classification (germline): Uncertain significance (1 of 4 stars; one submission).

Conditions:
Chuvash polycythemia. Also called: POLYCYTHEMIA, VHL-DEPENDENT. Identifiers: Orphanet 238557, MedGen C1837915, MONDO:0009892, OMIM 263400.
Von Hippel-Lindau syndrome (VHLS). Also called: von Hippel–Lindau syndrome; VHL syndrome; Von Hippel-Lindau. Identifiers: Orphanet 892, MedGen C0019562, MONDO:0008667, OMIM 193300. Disease mechanism: loss of function.

Submission:

Labcorp Genetics (formerly Invitae), Labcorp
Classification: Uncertain significance for Von Hippel-Lindau syndrome; Chuvash polycythemia. Last evaluated: 2023-07-10. Review status: criteria provided, single submitter. Criteria: Invitae Variant Classification Sherloc (09022015). Collection method: clinical testing. Allele origin: germline.
Comment: This sequence change falls in intron 1 of the VHL gene. It is not expected to change the encoded amino acid sequence of the VHL protein. However, this sequence change falls within a cryptic exon in the VHL gene, known as exon E1’, which is naturally expressed at low levels in several human tissues (PMID: 29891534). This variant is not present in population databases (gnomAD no frequency). This variant has not been reported in the literature in individuals affected with VHL-related conditions. Algorithms developed to predict the effect of sequence changes on RNA splicing suggest that this variant is not likely to affect RNA splicing. In summary, the available evidence is currently insufficient to determine the role of this variant in disease. Therefore, it has been classified as a Variant of Uncertain Significance.

Literature cited by the submitters: PubMed 29891534.